The following is an entry in ClinVar:

ClinVar aggregate classification (germline): Uncertain significance (1 of 4 stars; one submission).

Conditions:
Fanconi anemia (FA). Also called: Fanconi's anemia. Identifiers: Orphanet 84, MedGen C0015625, MeSH D005199, MONDO:0019391.

Submission:

Labcorp Genetics (formerly Invitae), Labcorp
Classification: Uncertain significance for Fanconi anemia. Last evaluated: 2022-04-29. Review status: criteria provided, single submitter. Criteria: Invitae Variant Classification Sherloc (09022015). Collection method: clinical testing. Allele origin: germline.
Comment: This sequence change affects codon 182 of the FANCM mRNA. It is a 'silent' change, meaning that it does not change the encoded amino acid sequence of the FANCM protein. In summary, the available evidence is currently insufficient to determine the role of this variant in disease. Therefore, it has been classified as a Variant of Uncertain Significance. Algorithms developed to predict the effect of sequence changes on RNA splicing suggest that this variant may disrupt the consensus splice site. This variant has not been reported in the literature in individuals affected with FANCM-related conditions. This variant is not present in population databases (gnomAD no frequency).

NM_020937.4(FANCM):c.546C>T (p.Cys182=)

Gene: FANCM (FA complementation group M; plus strand). Cytogenetic location: 14q21.2.
Variant type: single nucleotide variant.
Coding change: c.546C>T on transcript NM_020937.4 (MANE Select); coding-DNA position 546, C replaced by T.
Protein change: p.Cys182=; no amino-acid change (cysteine 182 retained).
Molecular consequence: synonymous variant.
Genome position (GRCh38, 1-based): chr14:45,137,106, C>T. VCF-style: chr14-45137106-C-T. GRCh37 (hg19) VCF-style: chr14-45606309-C-T.
Other names: c.546C>T, p.Cys182= (NM_001308133.2, NM_001308134.2).
Identifiers: ClinVar variation 1987540 (VCV001987540.4), dbSNP rs774433660, ClinGen allele CA486137657.